The following is an entry in ClinVar:

NM_018943.3(TUBA8):c.5G>A (p.Arg2Gln)

Gene: TUBA8 (tubulin alpha 8; plus strand). Cytogenetic location: 22q11.21.
Variant type: single nucleotide variant.
Coding change: c.5G>A on transcript NM_018943.3 (MANE Select); coding-DNA position 5, G replaced by A.
Protein change: p.Arg2Gln; replaces arginine 2 with glutamine.
Molecular consequence: missense variant. On other transcripts: 5 prime UTR variant (1).
Genome position (GRCh38, 1-based): chr22:18,121,480, G>A. VCF-style: chr22-18121480-G-A. GRCh37 (hg19) VCF-style: chr22-18604247-G-A.
Other names: c.-194G>A (NM_001193414.2); short protein forms R2Q.
Identifiers: ClinVar variation 1033914 (VCV001033914.8), dbSNP rs761087286, ClinGen allele CA10093566.

ClinVar aggregate classification (germline): Uncertain significance. Review status: criteria provided, multiple submitters, no conflicts (2 of 4 stars). 2 submissions from 2 submitters: Uncertain significance (2). Last evaluated 2025-05-27.

Conditions:
Polymicrogyria with optic nerve hypoplasia. Identifiers: Orphanet 250972, MedGen C2750798, MONDO:0013172.

Allele frequency attached by ClinVar (database versions not stated): gnomAD exomes 0.00002; ExAC 0.00002; TOPMed 0.00005; gnomAD 0.00007.
gnomAD v4.1: 43 of 1,613,738 alleles (0.0027%); highest among the groups gnomAD compares: African/African-American, 0.0053%; no homozygotes.

Submissions (2):

Labcorp Genetics (formerly Invitae), Labcorp
Classification: Uncertain significance. Last evaluated: 2025-05-27. Review status: criteria provided, single submitter. Criteria: Invitae Variant Classification Sherloc (09022015). Collection method: clinical testing. Allele origin: germline.
Comment: This sequence change replaces arginine, which is basic and polar, with glutamine, which is neutral and polar, at codon 2 of the TUBA8 protein (p.Arg2Gln). This variant is present in population databases (rs761087286, gnomAD 0.006%). This variant has not been reported in the literature in individuals affected with TUBA8-related conditions. ClinVar contains an entry for this variant (Variation ID: 1033914). An algorithm developed to predict the effect of missense changes on protein structure and function (PolyPhen-2) suggests that this variant is likely to be disruptive. Algorithms developed to predict the effect of sequence changes on RNA splicing suggest that this variant may create or strengthen a splice site. In summary, the available evidence is currently insufficient to determine the role of this variant in disease. Therefore, it has been classified as a Variant of Uncertain Significance.

Baylor Genetics
Classification: Uncertain significance for CEDNIK syndrome. Last evaluated: 2018-04-19. Review status: criteria provided, single submitter. Criteria: ACMG Guidelines, 2015. Collection method: clinical testing. Allele origin: unknown. Affected: yes.
Comment: This variant was determined to be of uncertain significance according to ACMG Guidelines, 2015 [PMID:25741868].